The following is an entry in ClinVar:

ClinVar aggregate classification (germline): Uncertain significance (1 of 4 stars; one submission).

gnomAD v4.1: 38 of 1,612,450 alleles (0.0024%); highest among the groups gnomAD compares: South Asian, 0.015%; no homozygotes.

Submission:

Labcorp Genetics (formerly Invitae), Labcorp
Classification: Uncertain significance. Last evaluated: 2025-04-07. Review status: criteria provided, single submitter. Criteria: Invitae Variant Classification Sherloc (09022015). Collection method: clinical testing. Allele origin: germline.
Comment: This sequence change replaces proline, which is neutral and non-polar, with leucine, which is neutral and non-polar, at codon 293 of the ALPK1 protein (p.Pro293Leu). This variant is present in population databases (rs116427224, gnomAD 0.007%). This variant has not been reported in the literature in individuals affected with ALPK1-related conditions. Invitae Evidence Modeling of protein sequence and biophysical properties (such as structural, functional, and spatial information, amino acid conservation, physicochemical variation, residue mobility, and thermodynamic stability) indicates that this missense variant is expected to disrupt ALPK1 protein function with a positive predictive value of 80%. In summary, the available evidence is currently insufficient to determine the role of this variant in disease. Therefore, it has been classified as a Variant of Uncertain Significance.

NM_025144.4(ALPK1):c.878C>T (p.Pro293Leu)

Gene: ALPK1 (alpha kinase 1; plus strand). Cytogenetic location: 4q25.
Variant type: single nucleotide variant.
Coding change: c.878C>T on transcript NM_025144.4 (MANE Select); coding-DNA position 878, C replaced by T.
Protein change: p.Pro293Leu; replaces proline 293 with leucine.
Molecular consequence: missense variant.
Genome position (GRCh38, 1-based): chr4:112,429,231, C>T. VCF-style: chr4-112429231-C-T. GRCh37 (hg19) VCF-style: chr4-113350387-C-T.
Other names: c.878C>T, p.Pro293Leu (NM_001102406.2); c.644C>T, p.Pro215Leu (NM_001253884.2); short protein forms P293L, P215L.
Identifiers: ClinVar variation 4697271 (VCV004697271.1).